The following is an entry in ClinVar:

NM_001267550.2(TTN):c.13216G>A (p.Ala4406Thr)

Gene: TTN (titin; minus strand). Cytogenetic location: 2q31.2.
Variant type: single nucleotide variant.
Coding change: c.13216G>A on transcript NM_001267550.2 (MANE Select); coding-DNA position 13216, G replaced by A.
Protein change: p.Ala4406Thr; replaces alanine 4406 with threonine.
Molecular consequence: missense variant. On other transcripts: intron variant (1).
Genome position (GRCh38, 1-based): chr2:178,740,017, C>T on the plus strand (G>A on the coding strand, the complement: TTN is on the minus strand). VCF-style: chr2-178740017-C-T. GRCh37 (hg19) VCF-style: chr2-179604744-C-T.
Other names: c.12265G>A, p.Ala4089Thr (NM_001256850.1); c.12127G>A, p.Ala4043Thr (NM_003319.4); c.12502G>A, p.Ala4168Thr (NM_133432.3); c.12703G>A, p.Ala4235Thr (NM_133437.4); c.10361-1657G>A (NM_133378.4); short protein forms A4043T, A4089T, A4168T, A4235T, A4406T.
Identifiers: ClinVar variation 3027030 (VCV003027030.22), dbSNP rs2530635091, ClinGen allele CA349608883.

ClinVar aggregate classification (germline): Uncertain significance (1 of 4 stars; one submission).

Allele frequency attached by ClinVar (database versions not stated): gnomAD exomes below 0.00001.
gnomAD v4.1: 1 of 1,613,886 alleles (0.000062%); highest among the groups gnomAD compares: Non-Finnish European, 0.000085%; no homozygotes.

Submission:

CeGaT Center for Human Genetics Tuebingen
Classification: Uncertain significance. Last evaluated: 2024-01-01. Review status: criteria provided, single submitter. Criteria: CeGaT Center For Human Genetics Tuebingen Variant Classification Criteria Version 2. Collection method: clinical testing. Allele origin: germline. Affected: yes. Observed: 1 variant allele.
Comment: TTN: PM2, BP4